The following is an entry in ClinVar:

ClinVar aggregate classification (germline): Uncertain significance (1 of 4 stars; one submission).

Submission:

Labcorp Genetics (formerly Invitae), Labcorp
Classification: Uncertain significance. Last evaluated: 2022-08-05. Review status: criteria provided, single submitter. Criteria: Invitae Variant Classification Sherloc (09022015). Collection method: clinical testing. Allele origin: germline.
Comment: This variant, c.2503_2505del, results in the deletion of 1 amino acid(s) of the RUSC2 protein (p.Lys835del), but otherwise preserves the integrity of the reading frame. This variant is present in population databases (no rsID available, gnomAD 0.007%). This variant has not been reported in the literature in individuals affected with RUSC2-related conditions. Experimental studies and prediction algorithms are not available or were not evaluated, and the functional significance of this variant is currently unknown. In summary, the available evidence is currently insufficient to determine the role of this variant in disease. Therefore, it has been classified as a Variant of Uncertain Significance.

NM_014806.5(RUSC2):c.2503_2505del (p.Lys835del)

Gene: RUSC2 (RUN and SH3 domain containing 2; plus strand). Cytogenetic location: 9p13.3.
Variant type: Deletion.
Coding change: c.2503_2505del on transcript NM_014806.5 (MANE Select); coding-DNA positions 2503 to 2505, 3 bases deleted (AAG; older notation c.2503_2505delAAG).
Protein change: p.Lys835del; deletes lysine 835.
Molecular consequence: inframe deletion. On other transcripts: 5 prime UTR variant (1), non-coding transcript variant (1).
Genome position (GRCh38, 1-based): chr9:35,555,548-35,555,550, AAG deleted; deleting any 3 consecutive bases within chr9:35,555,546-35,555,550 gives the same sequence; the c. name uses the placement nearest the transcript's 3' end. VCF-style (leftmost placement, unchanged base first): chr9-35555545-CAGA-C. GRCh37 (hg19) VCF-style: chr9-35555542-CAGA-C.
Other names: c.2503_2505del, p.Lys835del (NM_001135999.2); c.-132_-130del (NM_001330740.2); short protein forms K835del.
Identifiers: ClinVar variation 2417337 (VCV002417337.3), dbSNP rs1447449010, ClinGen allele CA587569681.